The following is an entry in ClinVar:

NM_000083.3(CLCN1):c.416G>A (p.Ser139Asn)

Gene: CLCN1 (chloride voltage-gated channel 1; plus strand). Cytogenetic location: 7q34.
Variant type: single nucleotide variant.
Coding change: c.416G>A on transcript NM_000083.3 (MANE Select); coding-DNA position 416, G replaced by A.
Protein change: p.Ser139Asn; replaces serine 139 with asparagine.
Molecular consequence: missense variant. On other transcripts: non-coding transcript variant (1).
Genome position (GRCh38, 1-based): chr7:143,320,778, G>A. VCF-style: chr7-143320778-G-A. GRCh37 (hg19) VCF-style: chr7-143017871-G-A.
Other names: c.416G>A (NM_000083.2); short protein forms S139N.
Identifiers: ClinVar variation 2949345 (VCV002949345.5), dbSNP rs2487029959, ClinGen allele CA369682819.

ClinVar aggregate classification (germline): Uncertain significance. Review status: criteria provided, multiple submitters, no conflicts (2 of 4 stars). 2 submissions from 2 submitters: Uncertain significance (2). Last evaluated 2025-06-03.

Conditions:
Congenital myotonia, autosomal dominant form (THD). Also called: THOMSEN DISEASE; Myotonia congenita autosomal dominant. Identifiers: Orphanet 614, MedGen C2936781, MONDO:0008055, OMIM 160800.
Congenital myotonia, autosomal recessive form. Also called: BECKER DISEASE; Becker Generalized Myotonia; myotonia congenita, autosomal recessive. Identifiers: Orphanet 614, MedGen C0751360, MONDO:0009715, OMIM 255700.

gnomAD v4.1: 1 of 1,614,036 alleles (0.000062%); highest among the groups gnomAD compares: Non-Finnish European, 0.000085%; no homozygotes.

Submissions (2):

GeneDx
Classification: Uncertain significance. Last evaluated: 2025-06-03. Review status: criteria provided, single submitter. Criteria: GeneDx Variant Classification Process June 2021. Collection method: clinical testing. Allele origin: germline.
Comment: Not observed at significant frequency in large population cohorts (gnomAD); In silico analysis suggests that this missense variant does not alter protein structure/function; Has not been previously published as pathogenic or benign to our knowledge

Labcorp Genetics (formerly Invitae), Labcorp
Classification: Uncertain significance for Congenital myotonia, autosomal recessive form; Congenital myotonia, autosomal dominant form. Last evaluated: 2023-06-27. Review status: criteria provided, single submitter. Criteria: Invitae Variant Classification Sherloc (09022015). Collection method: clinical testing. Allele origin: germline.
Comment: In summary, the available evidence is currently insufficient to determine the role of this variant in disease. Therefore, it has been classified as a Variant of Uncertain Significance. Advanced modeling of protein sequence and biophysical properties (such as structural, functional, and spatial information, amino acid conservation, physicochemical variation, residue mobility, and thermodynamic stability) has been performed at Invitae for this missense variant, however the output from this modeling did not meet the statistical confidence thresholds required to predict the impact of this variant on CLCN1 protein function. This variant has not been reported in the literature in individuals affected with CLCN1-related conditions. This variant is not present in population databases (gnomAD no frequency). This sequence change replaces serine, which is neutral and polar, with asparagine, which is neutral and polar, at codon 139 of the CLCN1 protein (p.Ser139Asn).